The following is an entry in ClinVar:

NM_001277115.2(DNAH11):c.10976C>T (p.Ala3659Val)

Gene: DNAH11 (dynein axonemal heavy chain 11; plus strand). Cytogenetic location: 7p15.3.
Variant type: single nucleotide variant.
Coding change: c.10976C>T on transcript NM_001277115.2 (MANE Select); coding-DNA position 10976, C replaced by T.
Protein change: p.Ala3659Val; replaces alanine 3659 with valine.
Molecular consequence: missense variant.
Genome position (GRCh38, 1-based): chr7:21,852,546, C>T. VCF-style: chr7-21852546-C-T. GRCh37 (hg19) VCF-style: chr7-21892164-C-T.
Other names: short protein forms A3659V.
Identifiers: ClinVar variation 167000 (VCV000167000.25), dbSNP rs150631721, ClinGen allele CA179975.

ClinVar aggregate classification (germline): Benign. Review status: criteria provided, multiple submitters, no conflicts (2 of 4 stars). 4 submissions from 4 submitters: Benign (4). Last evaluated 2026-01-22.

Conditions:
Primary ciliary dyskinesia. Also called: Ciliary dyskinesia. Identifiers: Orphanet 244, MedGen C0008780, MONDO:0016575, HP:0012265.

Allele frequency attached by ClinVar (database versions not stated): 1000 Genomes Project 30x 0.00406; gnomAD 0.00166; TOPMed 0.00185; 1000 Genomes Project 0.00439.
gnomAD v4.1: 833 of 1,612,604 alleles (0.052%); highest among the groups gnomAD compares: East Asian, 1.5%; 13 homozygotes.

Submissions (4):

Labcorp Genetics (formerly Invitae), Labcorp
Classification: Benign for Primary ciliary dyskinesia. Last evaluated: 2026-01-22. Review status: criteria provided, single submitter. Criteria: Invitae Variant Classification Sherloc (09022015). Collection method: clinical testing. Allele origin: germline.

Ambry Genetics
Classification: Benign for Primary ciliary dyskinesia. Last evaluated: 2020-01-10. Review status: criteria provided, single submitter. Criteria: Ambry Variant Classification Scheme 2023. Collection method: clinical testing. Allele origin: germline.

Eurofins Ntd Llc (ga)
Classification: Benign. Last evaluated: 2014-04-03. Review status: criteria provided, single submitter. Criteria: EGL Classification Definitions 2015. Collection method: clinical testing. Allele origin: germline. Observed: 1 variant allele, 1 heterozygote.

Laboratory for Molecular Medicine, Mass General Brigham Personalized Medicine
Classification: Benign. Last evaluated: 2013-02-21. Review status: criteria provided, single submitter. Criteria: LMM Criteria. Collection method: clinical testing. Allele origin: germline. Observed: 1 variant allele.
Comment: Ala3659Val in exon 67 of DNAH11: This variant is not expected to have clinical s ignificance because it has been identified in 3.0% (6/200) of Han Chinese chromo somes from a broad population by the 1000 Genomes Project (dbSNP rs150631721).